The following is an entry in ClinVar:

NM_001365536.1(SCN9A):c.*1184T>G

Genes: SCN9A (sodium voltage-gated channel alpha subunit 9; minus strand), SCN1A-AS1 (SCN1A and SCN9A antisense RNA 1; plus strand). Cytogenetic location: 2q24.3.
Variant type: single nucleotide variant.
Coding change: c.*1184T>G on transcript NM_001365536.1 (MANE Select); 1184 bases downstream of the stop codon, T replaced by G.
Molecular consequence: 3 prime UTR variant.
Genome position (GRCh38, 1-based): chr2:166,197,488, A>C on the plus strand (T>G on the coding strand, the complement: SCN9A is on the minus strand). VCF-style: chr2-166197488-A-C. GRCh37 (hg19) VCF-style: chr2-167053998-A-C.
Other names: c.*1184T>G (NM_002977.4).
Identifiers: ClinVar variation 331935 (VCV000331935.6), dbSNP rs11902920, ClinGen allele CA10612517.

ClinVar aggregate classification (germline): Benign. Review status: criteria provided, single submitter (1 of 4 stars). 3 submissions from 1 submitter: Benign (3). Last evaluated 2018-01-13.

Conditions:
Primary erythromelalgia. Also called: SCN9A Erythromelalgia (SCN9A-EM); primary erythermalgia. Identifiers: Orphanet 306577, Orphanet 90026, MedGen C0014805, MONDO:0007571, OMIM 133020.
Paroxysmal extreme pain disorder (PEXPD). Also called: PAIN, SUBMANDIBULAR, OCULAR, AND RECTAL, WITH FLUSHING; RECTAL PAIN, FAMILIAL; SCN9A Paroxysmal Extreme Pain Disorder (SCN9A-PEPD). Identifiers: Orphanet 46348, MedGen C1833661, MONDO:0008179, OMIM 167400.
Channelopathy-associated congenital insensitivity to pain, autosomal recessive. Also called: Insensitivity to pain, channelopathy-associated; ASYMBOLIA FOR PAIN; CONGENITAL ANALGESIA, AUTOSOMAL RECESSIVE. Identifiers: Orphanet 88642, Orphanet 970, MedGen C1855739, MONDO:0009459, OMIM 243000.

Allele frequency attached by ClinVar (database versions not stated): gnomAD 0.03035; TOPMed 0.03425; 1000 Genomes Project 0.03914; 1000 Genomes Project 30x 0.04091.

Submissions (3):

Illumina Laboratory Services, Illumina
Classification: Benign for Channelopathy-associated congenital insensitivity to pain, autosomal recessive. Last evaluated: 2018-01-13. Review status: criteria provided, single submitter. Criteria: ICSL Variant Classification Criteria 13 December 2019. Collection method: clinical testing. Allele origin: germline.
Comment: This variant was observed in the ICSL laboratory as part of a predisposition screen in an ostensibly healthy population. It had not been previously curated by ICSL or reported in the Human Gene Mutation Database (HGMD: prior to June 1st, 2018), and was therefore a candidate for classification through an automated scoring system. Utilizing variant allele frequency, disease prevalence and penetrance estimates, and inheritance mode, an automated score was calculated to assess if this variant is too frequent to cause the disease. Based on the score and internal cut-off values, a variant classified as benign is not then subjected to further curation. The score for this variant resulted in a classification of benign for this disease.

Illumina Laboratory Services, Illumina
Classification: Benign for Paroxysmal extreme pain disorder. Last evaluated: 2018-01-13. Review status: criteria provided, single submitter. Criteria: ICSL Variant Classification Criteria 13 December 2019. Collection method: clinical testing. Allele origin: germline.
Comment: the same text as in the submission from Illumina Laboratory Services, Illumina above.

Illumina Laboratory Services, Illumina
Classification: Benign for Primary erythromelalgia. Last evaluated: 2018-01-13. Review status: criteria provided, single submitter. Criteria: ICSL Variant Classification Criteria 13 December 2019. Collection method: clinical testing. Allele origin: germline.
Comment: the same text as in the submission from Illumina Laboratory Services, Illumina above.